The following is an entry in ClinVar:

ClinVar aggregate classification (germline): Uncertain significance (1 of 4 stars; one submission).

Submission:

Labcorp Genetics (formerly Invitae), Labcorp
Classification: Uncertain significance. Last evaluated: 2023-01-10. Review status: criteria provided, single submitter. Criteria: Invitae Variant Classification Sherloc (09022015). Collection method: clinical testing. Allele origin: germline.
Comment: In summary, the available evidence is currently insufficient to determine the role of this variant in disease. Therefore, it has been classified as a Variant of Uncertain Significance. This variant disrupts a region of the CNGA3 protein in which other variant(s) (p.Leu433Trp) have been observed in individuals with CNGA3-related conditions (PMID: 18445228). This suggests that this is a clinically significant region of the protein, and that variants that disrupt it are likely to be disease-causing. Experimental studies and prediction algorithms are not available or were not evaluated, and the functional significance of this variant is currently unknown. This variant has not been reported in the literature in individuals affected with CNGA3-related conditions. This variant is not present in population databases (gnomAD no frequency). This variant, c.1296_1301del, results in the deletion of 2 amino acid(s) of the CNGA3 protein (p.Asp432_Leu433del), but otherwise preserves the integrity of the reading frame.

Literature cited by the submitters: PubMed 18445228.

NM_001298.3(CNGA3):c.1296_1301del (p.Asp432_Leu433del)

Gene: CNGA3 (cyclic nucleotide gated channel subunit alpha 3; plus strand). Cytogenetic location: 2q11.2.
Variant type: Deletion.
Coding change: c.1296_1301del on transcript NM_001298.3 (MANE Select); coding-DNA positions 1296 to 1301, 6 bases deleted (CTTGGA; older notation c.1296_1301delCTTGGA).
Protein change: p.Asp432_Leu433del.
Molecular consequence: inframe deletion.
Genome position (GRCh38, 1-based): chr2:98,396,466-98,396,471, CTTGGA deleted; deleting any 6 consecutive bases within chr2:98,396,463-98,396,471 gives the same sequence; the c. name uses the placement nearest the transcript's 3' end. VCF-style (leftmost placement, unchanged base first): chr2-98396462-AGGACTT-A. GRCh37 (hg19) VCF-style: chr2-99012925-AGGACTT-A.
Other names: c.1242_1247del, p.Asp414_Leu415del (NM_001079878.2).
Identifiers: ClinVar variation 2827390 (VCV002827390.3), dbSNP rs2467030014, ClinGen allele CA2739271166.